The following is an entry in ClinVar:

ClinVar aggregate classification (germline): Uncertain significance (1 of 4 stars; one submission).

Conditions:
Inborn genetic diseases. Identifiers: MedGen C0950123, MeSH D030342.

Submission:

Ambry Genetics
Classification: Uncertain significance for Inborn genetic diseases. Last evaluated: 2021-09-17. Review status: criteria provided, single submitter. Criteria: Ambry Variant Classification Scheme 2023. Collection method: clinical testing. Allele origin: germline.
Comment: The c.3466-6T>G intronic alteration consists of a T to G substitution 6 nucleotides before exon 21 of the POLR2A gene. Based on insufficient or conflicting evidence, the clinical significance of this alteration remains unclear.

NM_000937.5(POLR2A):c.3466-6T>G

Gene: POLR2A (RNA polymerase II subunit A; plus strand). Cytogenetic location: 17p13.1.
Variant type: single nucleotide variant.
Coding change: c.3466-6T>G on transcript NM_000937.5 (MANE Select); 6 bases into the intron before coding-DNA position 3466, T replaced by G.
Molecular consequence: intron variant.
Genome position (GRCh38, 1-based): chr17:7,508,938, T>G. VCF-style: chr17-7508938-T-G. GRCh37 (hg19) VCF-style: chr17-7412257-T-G.
Identifiers: ClinVar variation 2241865 (VCV002241865.2), dbSNP rs745913471, ClinGen allele CA2245865766.
Genomic context (GRCh38, chr17:7,508,938, plus strand): 5'-GGAGGGTTAGAAGAGACGTTTAGAGCTACTCAGTTCCCTGTGTCATGGACTTCTGTCTCT[T>G]CCCAGGATATTCTGTGCCGTCTGGAGCATACAACGTTGAGGAAGGTGACTGCCAACACAG-3'